The following is an entry in ClinVar:

NM_001142966.3(GREB1L):c.2232del (p.Ala745fs)

Gene: GREB1L (GREB1 like retinoic acid receptor coactivator; plus strand). Cytogenetic location: 18q11.1.
Variant type: Deletion.
Coding change: c.2232del on transcript NM_001142966.3 (MANE Select); coding-DNA position 2232, one base deleted (A; older notation c.2232delA).
Protein change: p.Ala745fs; shifts the reading frame from alanine 745.
Molecular consequence: frameshift variant.
Genome position (GRCh38, 1-based): chr18:21,473,080, A deleted. VCF-style (leftmost placement, unchanged base first): chr18-21473079-GA-G. GRCh37 (hg19) VCF-style: chr18-19053040-GA-G.
Other names: c.2361del, p.Ala788fs (NM_001410867.1); c.1905del, p.Ala636fs (NM_001410868.1); short protein forms A636fs, A745fs, A788fs.
Identifiers: ClinVar variation 2630511 (VCV002630511.1), dbSNP rs2511627573, ClinGen allele CA2695200382.

ClinVar aggregate classification (germline): Likely pathogenic (1 of 4 stars; one submission).

Conditions:
GREB1L-related disorder. Also called: GREB1L-related condition.

Submission:

PreventionGenetics, part of Exact Sciences
Classification: Likely pathogenic for GREB1L-related condition. Last evaluated: 2023-02-17. Review status: criteria provided, single submitter. Criteria: ACMG Guidelines, 2015. Collection method: clinical testing. Allele origin: germline.
Comment: The GREB1L c.2232delA variant is predicted to result in a frameshift and premature protein termination (p.Ala745Glnfs*8). To our knowledge, this variant has not been reported in the literature or in a large population database, indicating this variant is rare. Frameshift variants in GREB1L are expected to be pathogenic. This variant is interpreted as likely pathogenic.